The following is an entry in ClinVar:

NM_004370.6(COL12A1):c.6467A>G (p.Asn2156Ser)

Gene: COL12A1 (collagen type XII alpha 1 chain; minus strand). Cytogenetic location: 6q13.
Variant type: single nucleotide variant.
Coding change: c.6467A>G on transcript NM_004370.6 (MANE Select); coding-DNA position 6467, A replaced by G.
Protein change: p.Asn2156Ser; replaces asparagine 2156 with serine.
Molecular consequence: missense variant.
Genome position (GRCh38, 1-based): chr6:75,125,267, T>C on the plus strand (A>G on the coding strand, the complement: COL12A1 is on the minus strand). VCF-style: chr6-75125267-T-C. GRCh37 (hg19) VCF-style: chr6-75834983-T-C.
Other names: c.2975A>G, p.Asn992Ser (NM_080645.3); short protein forms N2156S, N992S.
Identifiers: ClinVar variation 1043932 (VCV001043932.9), dbSNP rs1582089703, ClinGen allele CA364729569.
Genomic context (GRCh38, chr6:75,125,267, plus strand): 5'-GGATTGAGATTGTGTAAGGTATATGATGTCATTTCTCCAACAAAGGCTTCCATGGGCTCA[T>C]TGGAACCTTTATTAACAACCACAAAAATACACAGAAACATGCCATCAATAGCATGAAATT-3'
Protein context (NP_004361.3, residues 2146-2166): YKIVYKPVGS[Asn2156Ser]EPMEAFVGEM

ClinVar aggregate classification (germline): Uncertain significance (1 of 4 stars; one submission).

Conditions:
Ullrich congenital muscular dystrophy 2 (UCMD2). Identifiers: Orphanet 75840, MedGen C4225314, MONDO:0014654, OMIM 616470.
Bethlem myopathy 2 (BTHLM2). Identifiers: Orphanet 536516, Orphanet 610, MedGen C4225313, MONDO:0034022, OMIM 616471.

Allele frequency attached by ClinVar (database versions not stated): gnomAD exomes below 0.00001; TOPMed below 0.00001.
gnomAD v4.1: 5 of 1,599,244 alleles (0.00031%); highest among the groups gnomAD compares: Non-Finnish European, 0.00043%; 1 homozygote.

Submission:

Labcorp Genetics (formerly Invitae), Labcorp
Classification: Uncertain significance for Bethlem myopathy 2; Ullrich congenital muscular dystrophy 2. Last evaluated: 2022-12-06. Review status: criteria provided, single submitter. Criteria: Invitae Variant Classification Sherloc (09022015). Collection method: clinical testing. Allele origin: germline.
Comment: This variant is not present in population databases (gnomAD no frequency). This variant has not been reported in the literature in individuals affected with COL12A1-related conditions. ClinVar contains an entry for this variant (Variation ID: 1043932). This sequence change replaces asparagine, which is neutral and polar, with serine, which is neutral and polar, at codon 2156 of the COL12A1 protein (p.Asn2156Ser). Advanced modeling of protein sequence and biophysical properties (such as structural, functional, and spatial information, amino acid conservation, physicochemical variation, residue mobility, and thermodynamic stability) performed at Invitae indicates that this missense variant is not expected to disrupt COL12A1 protein function. In summary, the available evidence is currently insufficient to determine the role of this variant in disease. Therefore, it has been classified as a Variant of Uncertain Significance.